The following is an entry in ClinVar:

NM_017831.4(RNF125):c.524T>C (p.Leu175Ser)

Gene: RNF125 (ring finger protein 125; plus strand). Cytogenetic location: 18q12.1.
Variant type: single nucleotide variant.
Coding change: c.524T>C on transcript NM_017831.4 (MANE Select); coding-DNA position 524, T replaced by C.
Protein change: p.Leu175Ser; replaces leucine 175 with serine.
Molecular consequence: missense variant.
Genome position (GRCh38, 1-based): chr18:32,065,921, T>C. VCF-style: chr18-32065921-T-C. GRCh37 (hg19) VCF-style: chr18-29645884-T-C.
Other names: short protein forms L175S.
Identifiers: ClinVar variation 3155006 (VCV003155006.1), dbSNP rs2510930847, ClinGen allele CA402254727.

ClinVar aggregate classification (germline): Uncertain significance (1 of 4 stars; one submission).

Conditions:
Inborn genetic diseases. Identifiers: MedGen C0950123, MeSH D030342.

Submission:

Ambry Genetics
Classification: Uncertain significance for Inborn genetic diseases. Last evaluated: 2023-10-26. Review status: criteria provided, single submitter. Criteria: Ambry Variant Classification Scheme 2023. Collection method: clinical testing. Allele origin: germline.
Comment: The c.524T>C (p.L175S) alteration is located in exon 5 (coding exon 5) of the RNF125 gene. This alteration results from a T to C substitution at nucleotide position 524, causing the leucine (L) at amino acid position 175 to be replaced by a serine (S). This variant was not reported in population-based cohorts in the Genome Aggregation Database (gnomAD). This amino acid position is not well conserved in available vertebrate species. This alteration is predicted to be tolerated by in silico analysis. Based on insufficient or conflicting evidence, the clinical significance of this alteration remains unclear.